The following is an entry in ClinVar:

ClinVar aggregate classification (germline): Likely benign (1 of 4 stars; one submission).

Allele frequency attached by ClinVar (database versions not stated): gnomAD 0.00003; gnomAD exomes 0.00005; TOPMed 0.00016; ExAC 0.00030.
gnomAD v4.1: 72 of 1,613,992 alleles (0.0045%); highest among the groups gnomAD compares: Admixed American, 0.097%; no homozygotes.

Submission:

CeGaT Center for Human Genetics Tuebingen
Classification: Likely benign. Last evaluated: 2022-06-01. Review status: criteria provided, single submitter. Criteria: CeGaT Center For Human Genetics Tuebingen Variant Classification Criteria Version 2. Collection method: clinical testing. Allele origin: germline. Affected: yes. Observed: 1 variant allele.
Comment: TIMELESS: BP4, BP7

NM_003920.5(TIMELESS):c.2505C>T (p.Leu835=)

Gene: TIMELESS (timeless circadian regulator; minus strand). Cytogenetic location: 12q13.3.
Variant type: single nucleotide variant.
Coding change: c.2505C>T on transcript NM_003920.5 (MANE Select); coding-DNA position 2505, C replaced by T.
Protein change: p.Leu835=; no amino-acid change (leucine 835 retained).
Molecular consequence: synonymous variant. On other transcripts: non-coding transcript variant (1).
Genome position (GRCh38, 1-based): chr12:56,422,125, G>A on the plus strand (C>T on the coding strand, the complement: TIMELESS is on the minus strand). VCF-style: chr12-56422125-G-A. GRCh37 (hg19) VCF-style: chr12-56815909-G-A.
Other names: c.2502C>T, p.Leu834= (NM_001330295.2).
Identifiers: ClinVar variation 2643094 (VCV002643094.24), dbSNP rs764646065, ClinGen allele CA6631596.